The following is an entry in ClinVar:

ClinVar aggregate classification (germline): Uncertain significance (1 of 4 stars; one submission).

Conditions:
Immunodeficiency 67. Also called: Immunodeficiency due to interleukin-1 receptor-associated kinase-4 deficiency. Identifiers: Orphanet 70592, MedGen C1843256, MONDO:0011888, OMIM 607676.

Allele frequency attached by ClinVar (database versions not stated): gnomAD exomes below 0.00001 and 0.00002; TOPMed below 0.00001; ExAC 0.00001; gnomAD 0.00001.
gnomAD v4.1: 36 of 1,614,070 alleles (0.0022%); highest among the groups gnomAD compares: Non-Finnish European, 0.0031%; no homozygotes.

Submission:

Labcorp Genetics (formerly Invitae), Labcorp
Classification: Uncertain significance for Immunodeficiency 67. Last evaluated: 2022-06-03. Review status: criteria provided, single submitter. Criteria: Invitae Variant Classification Sherloc (09022015). Collection method: clinical testing. Allele origin: germline.
Comment: Algorithms developed to predict the effect of missense changes on protein structure and function (SIFT, PolyPhen-2, Align-GVGD) all suggest that this variant is likely to be tolerated. In summary, the available evidence is currently insufficient to determine the role of this variant in disease. Therefore, it has been classified as a Variant of Uncertain Significance. ClinVar contains an entry for this variant (Variation ID: 1472124). This variant has not been reported in the literature in individuals affected with IRAK4-related conditions. This variant is present in population databases (rs758974509, gnomAD 0.0009%). This sequence change replaces isoleucine, which is neutral and non-polar, with threonine, which is neutral and polar, at codon 89 of the IRAK4 protein (p.Ile89Thr).

NM_016123.4(IRAK4):c.266T>C (p.Ile89Thr)

Gene: IRAK4 (interleukin 1 receptor associated kinase 4; plus strand). Cytogenetic location: 12q12.
Variant type: single nucleotide variant.
Coding change: c.266T>C on transcript NM_016123.4 (MANE Select); coding-DNA position 266, T replaced by C.
Protein change: p.Ile89Thr; replaces isoleucine 89 with threonine.
Molecular consequence: missense variant. On other transcripts: 5 prime UTR variant (4), intron variant (6).
Genome position (GRCh38, 1-based): chr12:43,771,324, T>C. VCF-style: chr12-43771324-T-C. GRCh37 (hg19) VCF-style: chr12-44165127-T-C.
Other names: c.266T>C, p.Ile89Thr (NM_001114182.3, NM_001351345.2); c.-107T>C (NM_001351339.2, NM_001351340.2, NM_001351341.2 and 1 more transcripts); c.-65-856T>C (NM_001351338.2, NM_001145256.2, NM_001145257.2 and 1 more transcripts); c.-216-856T>C (NM_001351343.2, NM_001351344.2); short protein forms I89T.
Identifiers: ClinVar variation 1472124 (VCV001472124.7), dbSNP rs758974509, ClinGen allele CA6522315.